The following is an entry in ClinVar:

NM_004820.5(CYP7B1):c.260-9T>G

Gene: CYP7B1 (cytochrome P450 family 7 subfamily B member 1; minus strand). Cytogenetic location: 8q12.3.
Variant type: single nucleotide variant.
Coding change: c.260-9T>G on transcript NM_004820.5 (MANE Select); 9 bases into the intron before coding-DNA position 260, T replaced by G.
Molecular consequence: intron variant.
Genome position (GRCh38, 1-based): chr8:64,616,290, A>C on the plus strand (T>G on the coding strand, the complement: CYP7B1 is on the minus strand). VCF-style: chr8-64616290-A-C. GRCh37 (hg19) VCF-style: chr8-65528847-A-C.
Other names: c.260-9T>G (NM_001324112.2).
Identifiers: ClinVar variation 4992845 (VCV004992845.1).
Genomic context (GRCh38, chr8:64,616,290, plus strand): 5'-TTTATCACTAGCTGGTACTGGAAGGGGTCCAGGATAAATGTTATGTACTTTCCTAGAAAA[A>C]AAAAAAGAGAGAGAAAATATGAGTTCGTTTGTTAATAAAACAGAAATAAACACCACAAAT-3'

ClinVar aggregate classification (germline): Likely benign (1 of 4 stars; one submission).

Conditions:
CYP7B1-related disorder. Also called: CYP7B1-related condition.

gnomAD v4.1: 1 of 1,505,940 alleles (0.000066%); highest among the groups gnomAD compares: Non-Finnish European, 0.000091%; no homozygotes.

Submission:

PreventionGenetics, part of Exact Sciences
Classification: Likely benign for CYP7B1-related condition. Last evaluated: 2026-01-12. Review status: criteria provided, single submitter. Criteria: ACMG Guidelines, 2015. Collection method: clinical testing. Allele origin: germline.
Comment: This variant is classified as likely benign based on ACMG/AMP sequence variant interpretation guidelines (Richards et al. 2015 PMID: 25741868, with internal and published modifications).